The following is an entry in ClinVar:

ClinVar aggregate classification (germline): Uncertain significance. Review status: criteria provided, multiple submitters, no conflicts (2 of 4 stars). 2 submissions from 2 submitters: Uncertain significance (2). Last evaluated 2022-07-19.

Conditions:
Very long chain acyl-CoA dehydrogenase deficiency (ACADVLD). Also called: VLCAD Deficiency; Very Long-Chain Acyl-Coenzyme A Dehydrogenase Deficiency. Identifiers: Orphanet 26793, MedGen C3887523, MONDO:0008723, OMIM 201475.

Allele frequency attached by ClinVar (database versions not stated): TOPMed below 0.00001; gnomAD 0.00001.
gnomAD v4.1: 2 of 1,614,008 alleles (0.00012%); highest among the groups gnomAD compares: African/African-American, 0.0027%; no homozygotes.

Submissions (2):

Labcorp Genetics (formerly Invitae), Labcorp
Classification: Uncertain significance for Very long chain acyl-CoA dehydrogenase deficiency. Last evaluated: 2022-07-19. Review status: criteria provided, single submitter. Criteria: Invitae Variant Classification Sherloc (09022015). Collection method: clinical testing. Allele origin: germline.
Comment: This variant is not present in population databases (gnomAD no frequency). This sequence change replaces glutamic acid, which is acidic and polar, with aspartic acid, which is acidic and polar, at codon 643 of the ACADVL protein (p.Glu643Asp). This variant has not been reported in the literature in individuals affected with ACADVL-related conditions. In summary, the available evidence is currently insufficient to determine the role of this variant in disease. Therefore, it has been classified as a Variant of Uncertain Significance. Algorithms developed to predict the effect of missense changes on protein structure and function output the following: SIFT: "Tolerated"; PolyPhen-2: "Benign"; Align-GVGD: "Class C0". The aspartic acid amino acid residue is found in multiple mammalian species, which suggests that this missense change does not adversely affect protein function. ClinVar contains an entry for this variant (Variation ID: 541715).

Stanford Center for Inherited Cardiovascular Disease, Stanford University
Classification: Uncertain significance. Last evaluated: 2018-01-24. Review status: criteria provided, single submitter. Criteria: ACMG Guidelines, 2015. Collection method: provider interpretation. Allele origin: germline.

NM_000018.4(ACADVL):c.1929G>C (p.Glu643Asp)

Gene: ACADVL (acyl-CoA dehydrogenase very long chain; plus strand). Cytogenetic location: 17p13.1.
Variant type: single nucleotide variant.
Coding change: c.1929G>C on transcript NM_000018.4 (MANE Select); coding-DNA position 1929, G replaced by C.
Protein change: p.Glu643Asp; replaces glutamic acid 643 with aspartic acid.
Molecular consequence: missense variant.
Genome position (GRCh38, 1-based): chr17:7,225,058, G>C. VCF-style: chr17-7225058-G-C. GRCh37 (hg19) VCF-style: chr17-7128377-G-C.
Other names: c.1863G>C, p.Glu621Asp (NM_001033859.3); c.1998G>C, p.Glu666Asp (NM_001270447.2); c.1701G>C, p.Glu567Asp (NM_001270448.2); short protein forms E643D, E567D, E621D, E666D.
Identifiers: ClinVar variation 541715 (VCV000541715.8), dbSNP rs1208010882, ClinGen allele CA397726201.